The following is an entry in ClinVar:

ClinVar aggregate classification (germline): Likely pathogenic (1 of 4 stars; one submission).

Conditions:
Autosomal recessive nonsyndromic hearing loss 1A (DFNB1A). Also called: Connexin 26 deafness; Deafness nonsyndromic, Connexin 26 linked; GJB6-Related DFNB 1 Nonsyndromic Hearing Loss and Deafness; Deafness, autosomal recessive 1A; Nonsyndromic Hearing Loss and Deafness, DFNB1; GJB2-Related Autosomal Recessive Nonsyndromic Hearing Loss. Identifiers: Orphanet 90636, MedGen C2673759, MONDO:0009076, OMIM 220290.

Submission:

Department of Otorhinolaryngology, Head and Neck Surgery, Xinhua Hospital, Shanghai Jiao Tong University School of Medicine
Classification: Likely pathogenic for Autosomal recessive nonsyndromic hearing loss 1A. Last evaluated: 2026-06-07. Review status: criteria provided, single submitter. Criteria: ACMG Guidelines, 2015. Collection method: clinical testing. Allele origin: germline. Affected: yes.
Comment: PVS1_Strong + PM2

NM_004004.6(GJB2):c.76_79delinsCCA (p.Thr26fs)

Gene: GJB2 (gap junction protein beta 2; minus strand). Cytogenetic location: 13q12.11.
Variant type: Indel.
Coding change: c.76_79delinsCCA on transcript NM_004004.6 (MANE Select); coding-DNA positions 76 to 79, ACCG replaced by CCA.
Protein change: p.Thr26fs; shifts the reading frame from threonine 26.
Molecular consequence: frameshift variant.
Genome position (GRCh38, 1-based): chr13:20,189,503-20,189,506, CGGT replaced by TGG on the plus strand (ACCG replaced by CCA on the coding strand, the reverse complement: GJB2 is on the minus strand). VCF-style: chr13-20189503-CGGT-TGG. GRCh37 (hg19) VCF-style: chr13-20763642-CGGT-TGG.
Other names: short protein forms T26fs.
Identifiers: ClinVar variation 4856985 (VCV004856985.1).